The following is an entry in ClinVar:

NM_001943.5(DSG2):c.838A>G (p.Met280Val)

Gene: DSG2 (desmoglein 2; plus strand). Cytogenetic location: 18q12.1.
Variant type: single nucleotide variant.
Coding change: c.838A>G on transcript NM_001943.5 (MANE Select); coding-DNA position 838, A replaced by G.
Protein change: p.Met280Val; replaces methionine 280 with valine.
Molecular consequence: missense variant.
Genome position (GRCh38, 1-based): chr18:31,524,712, A>G. VCF-style: chr18-31524712-A-G. GRCh37 (hg19) VCF-style: chr18-29104675-A-G.
Other names: short protein forms M280V.
Identifiers: ClinVar variation 2775216 (VCV002775216.5), dbSNP rs2073150960, ClinGen allele CA402135390.

ClinVar aggregate classification (germline): Uncertain significance. Review status: criteria provided, multiple submitters, no conflicts (2 of 4 stars). 2 submissions from 2 submitters: Uncertain significance (2). Last evaluated 2025-04-30.

Conditions:
Cardiomyopathy (CMYO). Also called: Cardiomyopathies. Identifiers: Orphanet 167848, MedGen C0878544, MONDO:0004994, HP:0001638. Inheritance: Various modes of inheritance.
Arrhythmogenic right ventricular dysplasia 10. Also called: Arrhythmogenic Right Ventricular Dysplasia/Cardiomyopathy10; ARRHYTHMOGENIC RIGHT VENTRICULAR DYSPLASIA, FAMILIAL, 10; Arrhythmogenic right ventricular dysplasia/cardiomyopathy, type 10. Identifiers: MedGen C1857777, MONDO:0012434, OMIM 610193.

Allele frequency attached by ClinVar (database versions not stated): gnomAD 0.00001.

Submissions (2):

Labcorp Genetics (formerly Invitae), Labcorp
Classification: Uncertain significance for Arrhythmogenic right ventricular dysplasia 10. Last evaluated: 2025-04-30. Review status: criteria provided, single submitter. Criteria: Invitae Variant Classification Sherloc (09022015). Collection method: clinical testing. Allele origin: germline.
Comment: This sequence change replaces methionine, which is neutral and non-polar, with valine, which is neutral and non-polar, at codon 280 of the DSG2 protein (p.Met280Val). This variant is not present in population databases (gnomAD no frequency). This variant has not been reported in the literature in individuals affected with DSG2-related conditions. ClinVar contains an entry for this variant (Variation ID: 2775216). Invitae Evidence Modeling of protein sequence and biophysical properties (such as structural, functional, and spatial information, amino acid conservation, physicochemical variation, residue mobility, and thermodynamic stability) indicates that this missense variant is not expected to disrupt DSG2 protein function with a negative predictive value of 95%. In summary, the available evidence is currently insufficient to determine the role of this variant in disease. Therefore, it has been classified as a Variant of Uncertain Significance.

Color Diagnostics, LLC DBA Color Health
Classification: Uncertain significance for Cardiomyopathy. Last evaluated: 2023-07-24. Review status: criteria provided, single submitter. Criteria: ACMG Guidelines, 2015. Collection method: clinical testing. Allele origin: germline.
Comment: This missense variant replaces methionine with valine at codon 280 of the DSG2 protein. Computational prediction suggests that this variant may not impact protein structure and function (internally defined REVEL score threshold <= 0.5, PMID: 27666373). To our knowledge, functional studies have not been reported for this variant. This variant has not been reported in individuals affected with DSG2-related disorders in the literature. This variant has not been identified in the general population by the Genome Aggregation Database (gnomAD). The available evidence is insufficient to determine the role of this variant in disease conclusively. Therefore, this variant is classified as a Variant of Uncertain Significance.